The following is an entry in ClinVar:

ClinVar aggregate classification (germline): Pathogenic/Likely pathogenic. Review status: criteria provided, multiple submitters, no conflicts (2 of 4 stars). 6 submissions from 6 submitters: Pathogenic (1); Likely pathogenic (4). 1 of the submissions does not count toward it. Last evaluated 2025-12-23.

Conditions:
Achondrogenesis, type IB (ACG1B). Also called: Achondrogenesis Type 1B. Identifiers: Orphanet 932, Orphanet 93298, MedGen C0265274, MONDO:0010966, OMIM 600972.
SLC26A2-related skeletal dysplasia. Identifiers: MedGen CN379209, MONDO:0100592.
Diastrophic dysplasia (DTD). Also called: Diastrophic dwarfism. Identifiers: Orphanet 628, MedGen C0220726, MONDO:0009107, OMIM 222600.
Atelosteogenesis type II (AO2). Also called: NEONATAL OSSEOUS DYSPLASIA I; Neonatal osseous dysplasia 1; SLC26A2-Related Atelosteogenesis. Identifiers: Orphanet 56304, MedGen C1850554, MONDO:0009727, OMIM 256050.
Multiple epiphyseal dysplasia type 4 (EDM4). Also called: Multiple Epiphyseal Dysplasia, Recessive; MULTIPLE EPIPHYSEAL DYSPLASIA WITH BILAYERED PATELLAE; MULTIPLE EPIPHYSEAL DYSPLASIA WITH CLUBFOOT; MULTIPLE EPIPHYSEAL DYSPLASIA, AUTOSOMAL RECESSIVE; SLC26A2-Related Multiple Epiphyseal Dysplasia. Identifiers: Orphanet 93307, MedGen C1847593, MONDO:0009189, OMIM 226900.

Submissions (6):

Myriad Genetics, Inc.
Classification: Likely pathogenic for SLC26A2-related skeletal dysplasia. Last evaluated: 2025-12-23. Review status: criteria provided, single submitter. Criteria: Myriad Autosomal Dominant, Autosomal Recessive and X-Linked Classification Criteria (2023). Collection method: clinical testing. Allele origin: unknown.
Comment: NM_000112.3(SLC26A2):c.2017_2018delGA(D673Lfs*2) is a frameshift variant classified as likely pathogenic in the context of SLC26A2-related disorders. D673Lfs*2 has not been observed in cases with relevant disease. Relevant functional assessments of this variant are not available in the literature. Internal structural analysis of the variant is supportive of pathogenicity. D673Lfs*2 has been observed in referenced population frequency databases. In summary, NM_000112.3(SLC26A2):c.2017_2018delGA(D673Lfs*2) is a frameshift variant that has internal structural support for pathogenicity and has been observed more frequently in cases with the relevant disease than in healthy populations. Please note: this variant was assessed in the context of healthy population screening.

First Genomix Gene Laboratory, Genetic Diagnostics Department
Classification: Likely pathogenic for Achondrogenesis, type IB; Atelosteogenesis type II; Diastrophic dysplasia; Multiple epiphyseal dysplasia type 4. Last evaluated: 2025-04-30. Review status: criteria provided, single submitter. Criteria: ACMG Guidelines, 2015. Collection method: clinical testing. Allele origin: germline. Inheritance: Autosomal recessive inheritance. Affected: no. Observed: 1 variant allele.

Fulgent Genetics
Classification: Likely pathogenic for Diastrophic dysplasia; Multiple epiphyseal dysplasia type 4; Atelosteogenesis type II; Achondrogenesis, type IB. Last evaluated: 2024-05-24. Review status: criteria provided, single submitter. Criteria: ACMG Guidelines, 2015. Collection method: clinical testing. Allele origin: germline.

Baylor Genetics
Classification: Likely pathogenic for Achondrogenesis, type IB. Last evaluated: 2024-03-08. Review status: criteria provided, single submitter. Criteria: ACMG Guidelines, 2015. Collection method: clinical testing. Allele origin: unknown.

Labcorp Genetics (formerly Invitae), Labcorp
Classification: Pathogenic for Atelosteogenesis type II; Multiple epiphyseal dysplasia type 4; Achondrogenesis, type IB; Diastrophic dysplasia. Last evaluated: 2023-04-23. Review status: criteria provided, single submitter. Criteria: Invitae Variant Classification Sherloc (09022015). Collection method: clinical testing. Allele origin: germline.
Comment: This variant is present in population databases (rs772515802, gnomAD 0.006%). This sequence change creates a premature translational stop signal (p.Asp673Leufs*2) in the SLC26A2 gene. While this is not anticipated to result in nonsense mediated decay, it is expected to disrupt the last 67 amino acid(s) of the SLC26A2 protein. This variant has not been reported in the literature in individuals affected with SLC26A2-related conditions. For these reasons, this variant has been classified as Pathogenic. This variant disrupts a region of the SLC26A2 protein in which other variant(s) (p.Ala715Val ) have been determined to be pathogenic (PMID: 11448940, 15294877, 21077204). This suggests that this is a clinically significant region of the protein, and that variants that disrupt it are likely to be disease-causing. ClinVar contains an entry for this variant (Variation ID: 841272).

Natera, Inc.
Classification: Likely pathogenic for Achondrogenesis type IB. Last evaluated: 2021-03-03. Review status: no assertion criteria provided. Collection method: clinical testing. Allele origin: germline. Not counted in ClinVar's aggregate classification.

Literature cited by the submitters: PubMed 11448940 (cited by Labcorp Genetics (formerly Invitae), Labcorp); PubMed 15294877 (cited by Labcorp Genetics (formerly Invitae), Labcorp); PubMed 21077204 (cited by Labcorp Genetics (formerly Invitae), Labcorp).

NM_000112.4(SLC26A2):c.2017_2018del (p.Asp673fs)

Gene: SLC26A2 (solute carrier family 26 member 2; plus strand). Cytogenetic location: 5q32.
Variant type: Microsatellite.
Coding change: c.2017_2018del on transcript NM_000112.4 (MANE Select); coding-DNA positions 2017 to 2018, 2 bases deleted (GA; older notation c.2017_2018delGA).
Protein change: p.Asp673fs; shifts the reading frame from aspartic acid 673.
Molecular consequence: frameshift variant.
Genome position (GRCh38, 1-based): chr5:149,981,610-149,981,611, GA deleted; deleting any 2 consecutive bases within chr5:149,981,607-149,981,611 gives the same sequence; the c. name uses the placement nearest the transcript's 3' end. VCF-style (leftmost placement, unchanged base first): chr5-149981606-CAG-C. GRCh37 (hg19) VCF-style: chr5-149361169-CAG-C.
Other names: c.2017_2018delGA (NM_000112.4); short protein forms D673fs.
Identifiers: ClinVar variation 841272 (VCV000841272.16), dbSNP rs772515802, ClinGen allele CA3505532.